The following is an entry in ClinVar:

NM_001080449.3(DNA2):c.2965A>G (p.Thr989Ala)

Gene: DNA2 (DNA replication helicase/nuclease 2; minus strand). Cytogenetic location: 10q21.3.
Variant type: single nucleotide variant.
Coding change: c.2965A>G on transcript NM_001080449.3 (MANE Select); coding-DNA position 2965, A replaced by G.
Protein change: p.Thr989Ala; replaces threonine 989 with alanine.
Molecular consequence: missense variant. On other transcripts: non-coding transcript variant (1).
Genome position (GRCh38, 1-based): chr10:68,419,036, T>C on the plus strand (A>G on the coding strand, the complement: DNA2 is on the minus strand). VCF-style: chr10-68419036-T-C. GRCh37 (hg19) VCF-style: chr10-70178793-T-C.
Other names: short protein forms T989A.
Identifiers: ClinVar variation 2069714 (VCV002069714.4), dbSNP rs774147958, ClinGen allele CA5524704.
Genomic context (GRCh38, chr10:68,419,036, plus strand): 5'-AATTTTTAAAGAGAGAGAAATGCCCCAAATGAATCAGTAGCAAACACAATTAACTCACAG[T>C]TCCATCCTTATTACTTCTAACAAAAGATACTAGGACAATACTTTTGTCCCTTCCTTGGTA-3'
Protein context (NP_001073918.2, residues 979-999): VSFVRSNKDG[Thr989Ala]VGELLKDWRR

ClinVar aggregate classification (germline): Uncertain significance (1 of 4 stars; one submission).

Allele frequency attached by ClinVar (database versions not stated): gnomAD exomes below 0.00001; TOPMed below 0.00001; gnomAD 0.00001; ExAC 0.00003.
gnomAD v4.1: 4 of 1,594,778 alleles (0.00025%); highest among the groups gnomAD compares: East Asian, 0.0068%; no homozygotes.

Submission:

Labcorp Genetics (formerly Invitae), Labcorp
Classification: Uncertain significance. Last evaluated: 2022-07-11. Review status: criteria provided, single submitter. Criteria: Invitae Variant Classification Sherloc (09022015). Collection method: clinical testing. Allele origin: germline.
Comment: Algorithms developed to predict the effect of missense changes on protein structure and function are either unavailable or do not agree on the potential impact of this missense change (SIFT: "Tolerated"; PolyPhen-2: "Not Available"; Align-GVGD: "Class C0"). In summary, the available evidence is currently insufficient to determine the role of this variant in disease. Therefore, it has been classified as a Variant of Uncertain Significance. This sequence change replaces threonine, which is neutral and polar, with alanine, which is neutral and non-polar, at codon 989 of the DNA2 protein (p.Thr989Ala). This variant is present in population databases (rs774147958, gnomAD 0.03%). This variant has not been reported in the literature in individuals affected with DNA2-related conditions.